The following is an entry in ClinVar:

NM_019032.6(ADAMTSL4):c.3199G>C (p.Glu1067Gln)

Gene: ADAMTSL4 (ADAMTS like 4; plus strand). Cytogenetic location: 1q21.2.
Variant type: single nucleotide variant.
Coding change: c.3199G>C on transcript NM_019032.6 (MANE Select); coding-DNA position 3199, G replaced by C.
Protein change: p.Glu1067Gln; replaces glutamic acid 1067 with glutamine.
Molecular consequence: missense variant.
Genome position (GRCh38, 1-based): chr1:150,560,170, G>C. VCF-style: chr1-150560170-G-C. GRCh37 (hg19) VCF-style: chr1-150532646-G-C.
Other names: c.3199G>C (NM_019032.4); c.3082G>C, p.Glu1028Gln (NM_001288607.2); c.3268G>C, p.Glu1090Gln (NM_001288608.2); c.3199G>C, p.Glu1067Gln (NM_001378596.1); short protein forms E1090Q, E1067Q, E1028Q.
Identifiers: ClinVar variation 1503616 (VCV001503616.8), dbSNP rs587758883, ClinGen allele CA1078985.
Genomic context (GRCh38, chr1:150,560,170, plus strand): 5'-CGGCTCTGCGTCTACCCCTACTACACAGCCACCTGTTGCCGCTCTTGCGCACATGTCCTG[G>C]AGCGGTCTCCCCAGGATCCCTCCTGAAAGGGGTCCGGGGCACCTTCACGGTTTTCTGTGC-3'
Protein context (NP_061905.2, residues 1057-1074): TCCRSCAHVL[Glu1067Gln]RSPQDPS

ClinVar aggregate classification (germline): Uncertain significance. Review status: criteria provided, multiple submitters, no conflicts (2 of 4 stars). 4 submissions from 3 submitters: Uncertain significance (4). Last evaluated 2025-06-03.

Conditions:
Ectopia lentis et pupillae. Also called: ECTOPIA LENTIS WITH ECTOPIA OF PUPIL. Identifiers: Orphanet 1885, MedGen C1644196, MONDO:0009153, OMIM 225200.
Ectopia lentis 2, isolated, autosomal recessive (ECTOL2). Identifiers: Orphanet 1885, MedGen C3541474, MONDO:0009152, OMIM 225100.
Inborn genetic diseases. Identifiers: MedGen C0950123, MeSH D030342.

Allele frequency attached by ClinVar (database versions not stated): gnomAD exomes below 0.00001 and 0.00005; ExAC 0.00002; TOPMed 0.00003; gnomAD 0.00004 and 0.00005; 1000 Genomes Project 30x 0.00016; 1000 Genomes Project 0.00020.
gnomAD v4.1: 16 of 1,614,032 alleles (0.00099%); highest among the groups gnomAD compares: East Asian, 0.029%; no homozygotes.

Submissions (4):

Ambry Genetics
Classification: Uncertain significance for Inborn genetic diseases. Last evaluated: 2025-06-03. Review status: criteria provided, single submitter. Criteria: Ambry Variant Classification Scheme 2023. Collection method: clinical testing. Allele origin: germline.

Genome-Nilou Lab
Classification: Uncertain significance for Ectopia lentis et pupillae. Last evaluated: 2023-04-11. Review status: criteria provided, single submitter. Criteria: ACMG Guidelines, 2015. Collection method: clinical testing. Allele origin: germline. Affected: no.

Genome-Nilou Lab
Classification: Uncertain significance for Ectopia lentis 2, isolated, autosomal recessive. Last evaluated: 2023-04-11. Review status: criteria provided, single submitter. Criteria: ACMG Guidelines, 2015. Collection method: clinical testing. Allele origin: germline. Affected: no.

Labcorp Genetics (formerly Invitae), Labcorp
Classification: Uncertain significance. Last evaluated: 2021-08-14. Review status: criteria provided, single submitter. Criteria: Invitae Variant Classification Sherloc (09022015). Collection method: clinical testing. Allele origin: germline.
Comment: This sequence change replaces glutamic acid with glutamine at codon 1067 of the ADAMTSL4 protein (p.Glu1067Gln). The glutamic acid residue is highly conserved and there is a small physicochemical difference between glutamic acid and glutamine. This variant is present in population databases (rs587758883, ExAC 0.03%). This variant has not been reported in the literature in individuals affected with ADAMTSL4-related conditions. Algorithms developed to predict the effect of missense changes on protein structure and function are either unavailable or do not agree on the potential impact of this missense change (SIFT: "Deleterious"; PolyPhen-2: "Benign"; Align-GVGD: "Class C0"). In summary, the available evidence is currently insufficient to determine the role of this variant in disease. Therefore, it has been classified as a Variant of Uncertain Significance.